The following is an entry in ClinVar:

ClinVar aggregate classification (germline): Likely pathogenic (1 of 4 stars; one submission).

Submission:

Labcorp Genetics (formerly Invitae), Labcorp
Classification: Likely pathogenic. Last evaluated: 2022-08-22. Review status: criteria provided, single submitter. Criteria: Invitae Variant Classification Sherloc (09022015). Collection method: clinical testing. Allele origin: germline.
Comment: This sequence change affects an acceptor splice site in intron 13 of the SLC26A4 gene. It is expected to disrupt RNA splicing. Variants that disrupt the donor or acceptor splice site typically lead to a loss of protein function (PMID: 16199547), and loss-of-function variants in SLC26A4 are known to be pathogenic (PMID: 16283880, 25394566, 26252218, 26445815). In summary, the currently available evidence indicates that the variant is pathogenic, but additional data are needed to prove that conclusively. Therefore, this variant has been classified as Likely Pathogenic. Algorithms developed to predict the effect of sequence changes on RNA splicing suggest that this variant may disrupt the consensus splice site. This variant has not been reported in the literature in individuals affected with SLC26A4-related conditions. This variant is not present in population databases (gnomAD no frequency).

Literature cited by the submitters: PubMed 16199547; PubMed 16283880; PubMed 25394566; PubMed 26252218; PubMed 26445815.

NM_000441.2(SLC26A4):c.1545-1G>A

Gene: SLC26A4 (solute carrier family 26 member 4; plus strand). Cytogenetic location: 7q22.3.
Variant type: single nucleotide variant.
Coding change: c.1545-1G>A on transcript NM_000441.2 (MANE Select); the canonical splice acceptor site of the intron before coding-DNA position 1545, G replaced by A.
Molecular consequence: splice acceptor variant.
Genome position (GRCh38, 1-based): chr7:107,698,041, G>A. VCF-style: chr7-107698041-G-A. GRCh37 (hg19) VCF-style: chr7-107338486-G-A.
Identifiers: ClinVar variation 2026312 (VCV002026312.4), dbSNP rs2535332434, ClinGen allele CA368841422.